The following is an entry in ClinVar:

NM_001378454.1(ALMS1):c.11382del (p.Phe3794fs)

Gene: ALMS1 (ALMS1 centrosome and basal body associated protein; plus strand). Cytogenetic location: 2p13.1.
Variant type: Deletion.
Coding change: c.11382del on transcript NM_001378454.1 (MANE Select); coding-DNA position 11382, one base deleted (T; older notation c.11382delT).
Protein change: p.Phe3794fs; shifts the reading frame from phenylalanine 3794.
Molecular consequence: frameshift variant.
Genome position (GRCh38, 1-based): chr2:73,573,259, T deleted; the last of 4 consecutive T bases (chr2:73,573,256-73,573,259); deleting any one gives the same sequence. VCF-style (leftmost placement, unchanged base first): chr2-73573255-CT-C. GRCh37 (hg19) VCF-style: chr2-73800382-CT-C.
Other names: c.11385del, p.Phe3795fs (NM_015120.4); c.11382delT (NM_001378454.1); c.11385delT (NM_015120.4); short protein forms F3795fs, F3794fs.
Identifiers: ClinVar variation 551457 (VCV000551457.22), dbSNP rs768759374, ClinGen allele CA1715178.

ClinVar aggregate classification (germline): Pathogenic. Review status: criteria provided, multiple submitters, no conflicts (2 of 4 stars). 9 submissions from 9 submitters: Pathogenic (5). 4 of the submissions do not count toward it. Last evaluated 2025-05-26.

Conditions:
Alstrom syndrome (ALMS). Identifiers: Orphanet 64, MedGen C0268425, MONDO:0008763, OMIM 203800.

Submissions (9):

Labcorp Genetics (formerly Invitae), Labcorp
Classification: Pathogenic for Alstrom syndrome. Last evaluated: 2025-05-26. Review status: criteria provided, single submitter. Criteria: Invitae Variant Classification Sherloc (09022015). Collection method: clinical testing. Allele origin: germline.
Comment: This sequence change creates a premature translational stop signal (p.Phe3795Leufs*38) in the ALMS1 gene. It is expected to result in an absent or disrupted protein product. Loss-of-function variants in ALMS1 are known to be pathogenic (PMID: 17594715). This variant is present in population databases (rs768759374, gnomAD 0.0009%). This premature translational stop signal has been observed in individuals with Alström syndrome (PMID: 17594715, 29193673). ClinVar contains an entry for this variant (Variation ID: 551457). For these reasons, this variant has been classified as Pathogenic.

Natera, Inc.
Classification: Pathogenic for Alstrom syndrome. Last evaluated: 2025-04-04. Review status: criteria provided, single submitter. Criteria: Natera Variant Classification Schema (03/2026). Collection method: clinical testing. Allele origin: germline.
Comment: The c.11385delT variant in ALMS1 is a frameshift variant predicted to shift the reading frame beginning at codon 3795 and leads to a stop codon 38 codons downstream. This variant is expected to result in nonsense mediated decay, truncation, or a dysfunctional protein product. This variant is rare in the general population with a frequency below the threshold expected for the associated phenotype(s). This variant has been observed in one or more individuals affected with the associated recessive disease, as either homozygous or compound heterozygous with a second variant (PMID: 17594715). Given the available evidence, this variant is classified as Pathogenic.

GeneDx
Classification: Pathogenic. Last evaluated: 2024-02-29. Review status: criteria provided, single submitter. Criteria: GeneDx Variant Classification Process June 2021. Collection method: clinical testing. Allele origin: germline. Affected: yes.
Comment: Frameshift variant predicted to result in protein truncation or nonsense mediated decay in a gene for which loss of function is a known mechanism of disease; Not observed at significant frequency in large population cohorts (gnomAD); This variant is associated with the following publications: (PMID: 17594715, 25846608, 32531858, 29193673)

Women's Health and Genetics/Laboratory Corporation of America, LabCorp
Classification: Pathogenic for Alstrom syndrome. Last evaluated: 2022-05-31. Review status: criteria provided, single submitter. Criteria: LabCorp Variant Classification Summary - May 2015. Collection method: clinical testing. Allele origin: germline.
Comment: Variant summary: ALMS1 c.11379delT/p.Phe3793LeufsX38 (also known as c.11385del/p.Phe3795fs in RefSeq) results in a premature termination codon, predicted to cause a truncation of the encoded protein or absence of the protein due to nonsense mediated decay, which are commonly known mechanisms for disease. Truncations downstream of this position have been classified as pathogenic by our laboratory. The variant allele was found at a frequency of 1.2e-05 in 248776 control chromosomes. c.11379delT has been reported in the literature in multiple individuals affected with Alstrom Syndrome With Dilated Cardiomyopathy or inherited retinal degeneration. These data indicate that the variant is very likely to be associated with disease. Four clinical diagnostic laboratories have submitted clinical-significance assessments for this variant to ClinVar after 2014 without evidence for independent evaluation. All laboratories classified the variant as pathogenic. Based on the evidence outlined above, the variant was classified as pathogenic.

Fulgent Genetics
Classification: Pathogenic for Alstrom syndrome. Last evaluated: 2021-10-02. Review status: criteria provided, single submitter. Criteria: ACMG Guidelines, 2015. Collection method: clinical testing. Allele origin: unknown.

Clinical Genetics Laboratory, University Hospital Schleswig-Holstein
Classification: Pathogenic for Alstrom syndrome. Last evaluated: 2021-05-17. Review status: no assertion criteria provided. Collection method: clinical testing. Allele origin: germline. Affected: yes. Not counted in ClinVar's aggregate classification.

Counsyl
Classification: Pathogenic for Alstrom syndrome. Last evaluated: 2017-04-11. Review status: no assertion criteria provided. Collection method: clinical testing. Allele origin: unknown. Not counted in ClinVar's aggregate classification.

Clinical Genetics DNA and cytogenetics Diagnostics Lab, Erasmus MC, Erasmus Medical Center
Classification: Likely pathogenic. Review status: no assertion criteria provided. Collection method: clinical testing. Allele origin: germline. Affected: yes. Study: VKGL Data-share Consensus. Not counted in ClinVar's aggregate classification.

Clinical Genetics, Academic Medical Center
Classification: Pathogenic. Review status: no assertion criteria provided. Collection method: clinical testing. Allele origin: germline. Affected: yes. Study: VKGL Data-share Consensus. Not counted in ClinVar's aggregate classification.

Literature cited by the submitters: PubMed 17594715 (cited by 4 submitters); PubMed 29193673 (cited by Labcorp Genetics (formerly Invitae), Labcorp); PubMed 32531858 (cited by Women's Health and Genetics/Laboratory Corporation of America, LabCorp).